The following is an entry in ClinVar:

ClinVar aggregate classification (germline): Likely benign (1 of 4 stars; one submission).

Allele frequency attached by ClinVar (database versions not stated): ESP Exome Variant Server 0.00031; TOPMed 0.00032; 1000 Genomes Project 30x 0.00062; ExAC 0.00277; 1000 Genomes Project 0.00080; gnomAD exomes 0.00153; gnomAD 0.00261.
gnomAD v4.1: 2,616 of 1,612,936 alleles (0.16%); highest among the groups gnomAD compares: Non-Finnish European, 0.064%; 24 homozygotes.

Submission:

CeGaT Center for Human Genetics Tuebingen
Classification: Likely benign. Last evaluated: 2023-03-01. Review status: criteria provided, single submitter. Criteria: CeGaT Center For Human Genetics Tuebingen Variant Classification Criteria Version 2. Collection method: clinical testing. Allele origin: germline. Affected: yes. Observed: 1 variant allele.
Comment: CNDP1: BP4, BP7

NM_032649.6(CNDP1):c.969C>T (p.Ser323=)

Gene: CNDP1 (carnosine dipeptidase 1; plus strand). Cytogenetic location: 18q22.3.
Variant type: single nucleotide variant.
Coding change: c.969C>T on transcript NM_032649.6 (MANE Select); coding-DNA position 969, C replaced by T.
Protein change: p.Ser323=; no amino-acid change (serine 323 retained).
Molecular consequence: synonymous variant.
Genome position (GRCh38, 1-based): chr18:74,576,996, C>T. VCF-style: chr18-74576996-C-T. GRCh37 (hg19) VCF-style: chr18-72244231-C-T.
Identifiers: ClinVar variation 2648806 (VCV002648806.24), dbSNP rs145342799, ClinGen allele CA8999927.